The following is an entry in ClinVar:

NM_020223.4(FAM20C):c.1672C>T (p.Arg558Trp)

Gene: FAM20C (FAM20C golgi associated secretory pathway kinase; plus strand). Cytogenetic location: 7p22.3.
Variant type: single nucleotide variant.
Coding change: c.1672C>T on transcript NM_020223.4 (MANE Select); coding-DNA position 1672, C replaced by T.
Protein change: p.Arg558Trp; replaces arginine 558 with tryptophan.
Molecular consequence: missense variant.
Genome position (GRCh38, 1-based): chr7:259,897, C>T. VCF-style: chr7-259897-C-T. GRCh37 (hg19) VCF-style: chr7-299863-C-T.
Other names: short protein forms R558W.
Identifiers: ClinVar variation 284042 (VCV000284042.15), dbSNP rs62644536, ClinGen allele CA4109218.

ClinVar aggregate classification (germline): Benign. Review status: criteria provided, multiple submitters, no conflicts (2 of 4 stars). 3 submissions from 3 submitters: Benign (3). Last evaluated 2026-02-01.

Allele frequency attached by ClinVar (database versions not stated): gnomAD 0.04125 and 0.04053; 1000 Genomes Project 30x 0.03029; 1000 Genomes Project 0.03175; TOPMed 0.03723; ESP Exome Variant Server 0.04796; gnomAD exomes 0.05016; ExAC 0.05562.
gnomAD v4.1: 80,176 of 1,535,712 alleles (5.2%); highest among the groups gnomAD compares: South Asian, 7.1%; 2,343 homozygotes.

Submissions (3):

Labcorp Genetics (formerly Invitae), Labcorp
Classification: Benign. Last evaluated: 2026-02-01. Review status: criteria provided, single submitter. Criteria: Invitae Variant Classification Sherloc (09022015). Collection method: clinical testing. Allele origin: germline.

GeneDx
Classification: Benign. Last evaluated: 2021-05-04. Review status: criteria provided, single submitter. Criteria: GeneDx Variant Classification Process June 2021. Collection method: clinical testing. Allele origin: germline. Affected: yes.
Comment: This variant is associated with the following publications: (PMID: 20453638, 27884173)

Eurofins Ntd Llc (ga)
Classification: Benign. Last evaluated: 2015-10-23. Review status: criteria provided, single submitter. Criteria: EGL Classification Definitions 2015. Collection method: clinical testing. Allele origin: germline. Observed: 1 variant allele, 1 heterozygote.